The following is an entry in ClinVar:

ClinVar aggregate classification (germline): Uncertain significance. Review status: criteria provided, multiple submitters, no conflicts (2 of 4 stars). 2 submissions from 2 submitters: Uncertain significance (2). Last evaluated 2020-10-12.

Conditions:
Hereditary cancer-predisposing syndrome. Also called: Neoplastic Syndromes, Hereditary; Hereditary Cancer Syndrome; Hereditary neoplastic syndrome; Tumor predisposition. Identifiers: Orphanet 140162, MedGen C0027672, MeSH D009386, MONDO:0015356.
Fanconi anemia complementation group J. Also called: BRIP1-Related Fanconi Anemia. Identifiers: Orphanet 84, MedGen C1836860, MONDO:0012187, OMIM 609054.
Familial cancer of breast. Also called: hereditary breast carcinoma; BREAST CANCER, FAMILIAL; Hereditary breast cancer. Identifiers: Orphanet 227535, MedGen C0346153, MONDO:0016419, OMIM 114480. Disease mechanism: loss of function.

Allele frequency attached by ClinVar (database versions not stated): gnomAD exomes below 0.00001.
gnomAD v4.1: 2 of 1,614,000 alleles (0.00012%); highest among the groups gnomAD compares: South Asian, 0.0022%; no homozygotes.

Submissions (2):

Labcorp Genetics (formerly Invitae), Labcorp
Classification: Uncertain significance for Familial cancer of breast; Fanconi anemia complementation group J. Last evaluated: 2020-10-12. Review status: criteria provided, single submitter. Criteria: Invitae Variant Classification Sherloc (09022015). Collection method: clinical testing. Allele origin: germline.
Comment: This variant is not present in population databases (ExAC no frequency). This sequence change replaces arginine with glycine at codon 265 of the BRIP1 protein (p.Arg265Gly). The arginine residue is moderately conserved and there is a moderate physicochemical difference between arginine and glycine. This variant has not been reported in the literature in individuals with BRIP1-related conditions. ClinVar contains an entry for this variant (Variation ID: 827346). Algorithms developed to predict the effect of missense changes on protein structure and function are either unavailable or do not agree on the potential impact of this missense change (SIFT: "Deleterious"; PolyPhen-2: "Possibly Damaging"; Align-GVGD: "Class C15"). In summary, the available evidence is currently insufficient to determine the role of this variant in disease. Therefore, it has been classified as a Variant of Uncertain Significance.

Ambry Genetics
Classification: Uncertain significance for Hereditary cancer-predisposing syndrome. Last evaluated: 2019-03-31. Review status: criteria provided, single submitter. Criteria: Ambry Variant Classification Scheme 2023. Collection method: clinical testing. Allele origin: germline.
Comment: The p.R265G variant (also known as c.793A>G), located in coding exon 6 of the BRIP1 gene, results from an A to G substitution at nucleotide position 793. The arginine at codon 265 is replaced by glycine, an amino acid with dissimilar properties. This amino acid position is not well conserved in available vertebrate species. In addition, the in silico prediction for this alteration is inconclusive. Since supporting evidence is limited at this time, the clinical significance of this alteration remains unclear.

NM_032043.3(BRIP1):c.793A>G (p.Arg265Gly)

Gene: BRIP1 (BRCA1 interacting DNA helicase 1; minus strand). Cytogenetic location: 17q23.2.
Variant type: single nucleotide variant.
Coding change: c.793A>G on transcript NM_032043.3 (MANE Select); coding-DNA position 793, A replaced by G.
Protein change: p.Arg265Gly; replaces arginine 265 with glycine.
Molecular consequence: missense variant.
Genome position (GRCh38, 1-based): chr17:61,808,592, T>C on the plus strand (A>G on the coding strand, the complement: BRIP1 is on the minus strand). VCF-style: chr17-61808592-T-C. GRCh37 (hg19) VCF-style: chr17-59885953-T-C.
Other names: short protein forms R265G.
Identifiers: ClinVar variation 827346 (VCV000827346.14), dbSNP rs876659650, ClinGen allele CA400484901.